The following is an entry in ClinVar:

ClinVar aggregate classification (germline): Uncertain significance (1 of 4 stars; one submission).

Conditions:
Hereditary pancreatitis (PCTT). Also called: Hereditary chronic pancreatitis; PRSS1-Related Hereditary Pancreatitis. Identifiers: Orphanet 676, MedGen C0238339, MONDO:0008185, OMIM 167800.

Submission:

Ambry Genetics
Classification: Uncertain significance for Hereditary pancreatitis. Last evaluated: 2025-06-17. Review status: criteria provided, single submitter. Criteria: Ambry Variant Classification Scheme 2023. Collection method: clinical testing. Allele origin: germline.
Comment: The p.T49A variant (also known as c.145A>G), located in coding exon 3 of the SPINK1 gene, results from an A to G substitution at nucleotide position 145. The threonine at codon 49 is replaced by alanine, an amino acid with similar properties. This amino acid position is well conserved in available vertebrate species. In addition, this alteration is predicted to be tolerated by in silico analysis. Based on the available evidence, the clinical significance of this variant remains unclear.

NM_001379610.1(SPINK1):c.145A>G (p.Thr49Ala)

Gene: SPINK1 (serine peptidase inhibitor Kazal type 1; minus strand). Cytogenetic location: 5q32.
Variant type: single nucleotide variant.
Coding change: c.145A>G on transcript NM_001379610.1 (MANE Select); coding-DNA position 145, A replaced by G.
Protein change: p.Thr49Ala; replaces threonine 49 with alanine.
Molecular consequence: missense variant.
Genome position (GRCh38, 1-based): chr5:147,828,071, T>C on the plus strand (A>G on the coding strand, the complement: SPINK1 is on the minus strand). VCF-style: chr5-147828071-T-C. GRCh37 (hg19) VCF-style: chr5-147207634-T-C.
Other names: c.145A>G, p.Thr49Ala (NM_001354966.2, NM_003122.5); short protein forms T49A.
Identifiers: ClinVar variation 4173714 (VCV004173714.1).